The following is an entry in ClinVar:

ClinVar aggregate classification (germline): Uncertain significance (1 of 4 stars; one submission).

Conditions:
Epileptic encephalopathy. Identifiers: MedGen C0543888, HP:0200134.

Allele frequency attached by ClinVar (database versions not stated): gnomAD 0.00001; gnomAD exomes 0.00001; TOPMed 0.00001; ExAC 0.00003.
gnomAD v4.1: 14 of 1,612,826 alleles (0.00087%); highest among the groups gnomAD compares: Admixed American, 0.0017%; no homozygotes.

Submission:

Labcorp Genetics (formerly Invitae), Labcorp
Classification: Uncertain significance for Epileptic encephalopathy. Last evaluated: 2022-12-23. Review status: criteria provided, single submitter. Criteria: Invitae Variant Classification Sherloc (09022015). Collection method: clinical testing. Allele origin: germline.
Comment: This variant is present in population databases (rs776923547, gnomAD 0.006%). This sequence change replaces valine, which is neutral and non-polar, with methionine, which is neutral and non-polar, at codon 30 of the FASN protein (p.Val30Met). This variant has not been reported in the literature in individuals affected with FASN-related conditions. Algorithms developed to predict the effect of missense changes on protein structure and function output the following: SIFT: "Deleterious"; PolyPhen-2: "Benign"; Align-GVGD: "Class C0". The methionine amino acid residue is found in multiple mammalian species, which suggests that this missense change does not adversely affect protein function. In summary, the available evidence is currently insufficient to determine the role of this variant in disease. Therefore, it has been classified as a Variant of Uncertain Significance.

NM_004104.5(FASN):c.88G>A (p.Val30Met)

Gene: FASN (fatty acid synthase; minus strand). Cytogenetic location: 17q25.3.
Variant type: single nucleotide variant.
Coding change: c.88G>A on transcript NM_004104.5 (MANE Select); coding-DNA position 88, G replaced by A.
Protein change: p.Val30Met; replaces valine 30 with methionine.
Molecular consequence: missense variant.
Genome position (GRCh38, 1-based): chr17:82,096,358, C>T on the plus strand (G>A on the coding strand, the complement: FASN is on the minus strand). VCF-style: chr17-82096358-C-T. GRCh37 (hg19) VCF-style: chr17-80054234-C-T.
Other names: short protein forms V30M.
Identifiers: ClinVar variation 2731856 (VCV002731856.3), dbSNP rs776923547, ClinGen allele CA8853682.